The following is an entry in ClinVar:

ClinVar aggregate classification (germline): Benign. Review status: criteria provided, multiple submitters, no conflicts (2 of 4 stars). 5 submissions from 5 submitters: Benign (5). Last evaluated 2026-01-28.

Conditions:
Glycogen storage disease IXa1. Also called: GLYCOGEN STORAGE DISEASE VIII; GSD VIII; Glycogen storage disease 8; LIVER GLYCOGENOSIS, X-LINKED, TYPE I. Identifiers: Orphanet 264580, MedGen C3694531, MONDO:0010598, OMIM 306000.

Allele frequency attached by ClinVar (database versions not stated): 1000 Genomes Project 0.00450; 1000 Genomes Project 30x 0.00458; TOPMed 0.00887; gnomAD 0.00928 and 0.00939; gnomAD exomes 0.00939 and 0.01448; ESP Exome Variant Server 0.01100; ExAC 0.01579.
gnomAD v4.1: 16,381 of 1,182,524 alleles (1.4%); highest among the groups gnomAD compares: Non-Finnish European, 1.7%; 96 homozygotes.

Submissions (5):

Labcorp Genetics (formerly Invitae), Labcorp
Classification: Benign for Glycogen storage disease IXa1. Last evaluated: 2026-01-28. Review status: criteria provided, single submitter. Criteria: Invitae Variant Classification Sherloc (09022015). Collection method: clinical testing. Allele origin: germline.

Mayo Clinic Laboratories, Mayo Clinic
Classification: Benign. Last evaluated: 2025-12-02. Review status: criteria provided, single submitter. Criteria: ACMG Guidelines, 2015. Collection method: clinical testing. Allele origin: germline. Observed: 8 variant alleles.
Comment: BS1, BS2, BP4, BP7

GeneDx
Classification: Benign. Last evaluated: 2016-10-18. Review status: criteria provided, single submitter. Criteria: GeneDx Variant Classification (06012015). Collection method: clinical testing. Allele origin: germline. Affected: yes.
Comment: This variant is considered likely benign or benign based on one or more of the following criteria: it is a conservative change, it occurs at a poorly conserved position in the protein, it is predicted to be benign by multiple in silico algorithms, and/or has population frequency not consistent with disease.

Breakthrough Genomics
Classification: Benign. Review status: criteria provided, single submitter. Criteria: ACMG Guidelines, 2015. Collection method: not provided. Allele origin: germline. Inheritance: X-linked inheritance. Affected: yes.

PreventionGenetics, part of Exact Sciences
Classification: Benign. Review status: criteria provided, single submitter. Criteria: ACMG Guidelines, 2015. Collection method: clinical testing. Allele origin: germline.

NM_000292.3(PHKA2):c.2532G>A (p.Leu844=)

Gene: PHKA2 (phosphorylase kinase regulatory subunit alpha 2; minus strand). Cytogenetic location: Xp22.13.
Variant type: single nucleotide variant.
Coding change: c.2532G>A on transcript NM_000292.3 (MANE Select); coding-DNA position 2532, G replaced by A.
Protein change: p.Leu844=; no amino-acid change (leucine 844 retained).
Molecular consequence: synonymous variant.
Genome position (GRCh38, 1-based): chrX:18,907,083, C>T on the plus strand (G>A on the coding strand, the complement: PHKA2 is on the minus strand). VCF-style: chrX-18907083-C-T. GRCh37 (hg19) VCF-style: chrX-18925201-C-T.
Other names: p.Leu844=.
Identifiers: ClinVar variation 255774 (VCV000255774.13), dbSNP rs61729452, ClinGen allele CA10361607.
Genomic context (GRCh38, chrX:18,907,083, plus strand): 5'-GATGATCTTCTCCCGGGGCTCGGGCGGCAGGCCCACGGTGAGCTGCTTCTGGTGCGAAAG[C>T]AGGTCTGTGCAGGCCTGCGCAGTTAAGGGGAAGGGTGAGAGGCAGAGCGCGAGAGAGATA-3'
Protein context (NP_000283.1, residues 834-854): VEVLAEACTD[Leu844=]LSHQKQLTVG